The following is an entry in ClinVar:

ClinVar aggregate classification (germline): Uncertain significance. Review status: criteria provided, multiple submitters, no conflicts (2 of 4 stars). 2 submissions from 2 submitters: Uncertain significance (2). Last evaluated 2026-01-31.

Conditions:
Blau syndrome (BLAUS). Also called: ARTHROCUTANEOUVEAL GRANULOMATOSIS; GRANULOMATOSIS, FAMILIAL JUVENILE SYSTEMIC; GRANULOMATOSIS, FAMILIAL, BLAU TYPE; GRANULOMATOUS INFLAMMATORY ARTHRITIS, DERMATITIS, AND UVEITIS, FAMILIAL; JABS SYNDROME. Identifiers: Orphanet 90340, MedGen C5201146, MONDO:0008523, OMIM 186580.
Regional enteritis. Also called: Enteritis, Granulomatous. Identifiers: MedGen C0678202, MeSH D003424.

Allele frequency attached by ClinVar (database versions not stated): TOPMed 0.00001.

Submissions (2):

Labcorp Genetics (formerly Invitae), Labcorp
Classification: Uncertain significance for Regional enteritis; Blau syndrome. Last evaluated: 2026-01-31. Review status: criteria provided, single submitter. Criteria: Invitae Variant Classification Sherloc (09022015). Collection method: clinical testing. Allele origin: germline.
Comment: This sequence change replaces isoleucine, which is neutral and non-polar, with valine, which is neutral and non-polar, at codon 740 of the NOD2 protein (p.Ile740Val). This variant is present in population databases (rs766637609, gnomAD 0.0009%). This variant has not been reported in the literature in individuals affected with NOD2-related conditions. ClinVar contains an entry for this variant (Variation ID: 2936518). Invitae Evidence Modeling of protein sequence and biophysical properties (such as structural, functional, and spatial information, amino acid conservation, physicochemical variation, residue mobility, and thermodynamic stability) indicates that this missense variant is not expected to disrupt NOD2 protein function with a negative predictive value of 95%. In summary, the available evidence is currently insufficient to determine the role of this variant in disease. Therefore, it has been classified as a Variant of Uncertain Significance.

GeneDx
Classification: Uncertain significance. Last evaluated: 2024-06-08. Review status: criteria provided, single submitter. Criteria: GeneDx Variant Classification Process June 2021. Collection method: clinical testing. Allele origin: germline. Affected: yes.
Comment: Not observed at significant frequency in large population cohorts (gnomAD); In silico analysis indicates that this missense variant does not alter protein structure/function; Has not been previously published as pathogenic or benign to our knowledge

NM_001370466.1(NOD2):c.2137A>G (p.Ile713Val)

Gene: NOD2 (nucleotide binding oligomerization domain containing 2; plus strand). Cytogenetic location: 16q12.1.
Variant type: single nucleotide variant.
Coding change: c.2137A>G on transcript NM_001370466.1 (MANE Select); coding-DNA position 2137, A replaced by G.
Protein change: p.Ile713Val; replaces isoleucine 713 with valine.
Molecular consequence: missense variant. On other transcripts: non-coding transcript variant (1).
Genome position (GRCh38, 1-based): chr16:50,712,129, A>G. VCF-style: chr16-50712129-A-G. GRCh37 (hg19) VCF-style: chr16-50746040-A-G.
Other names: c.2137A>G, p.Ile713Val (NM_001293557.2); c.2218A>G, p.Ile740Val (NM_022162.3); short protein forms I713V, I740V.
Identifiers: ClinVar variation 2936518 (VCV002936518.4), dbSNP rs766637609, ClinGen allele CA281264092.